The following is an entry in ClinVar:

NM_031157.4(HNRNPA1):c.949A>G (p.Asn317Asp)

Gene: HNRNPA1 (heterogeneous nuclear ribonucleoprotein A1; plus strand). Cytogenetic location: 12q13.13.
Variant type: single nucleotide variant.
Coding change: c.949A>G on transcript NM_031157.4 (MANE Select); coding-DNA position 949, A replaced by G.
Protein change: p.Asn317Asp; replaces asparagine 317 with aspartic acid.
Molecular consequence: missense variant. On other transcripts: non-coding transcript variant (1).
Genome position (GRCh38, 1-based): chr12:54,283,853, A>G. VCF-style: chr12-54283853-A-G. GRCh37 (hg19) VCF-style: chr12-54677637-A-G.
Other names: c.793A>G, p.Asn265Asp (NM_002136.4); short protein forms N317D, N265D.
Identifiers: ClinVar variation 135593 (VCV000135593.2), dbSNP rs483353023, ClinGen allele CA163038.

ClinVar aggregate classification (germline): Likely pathogenic (0 of 4 stars; one submission).

Conditions:
Chronic progressive multiple sclerosis. Identifiers: MedGen C0393665, MONDO:0005284.

Allele frequency attached by ClinVar (database versions not stated): gnomAD 0.00001; TOPMed 0.00001.
gnomAD v4.1: 2 of 1,613,746 alleles (0.00012%); highest among the groups gnomAD compares: Non-Finnish European, 0.00017%; no homozygotes.

Submission:

Demyelinating Disease Laboratories, VA Medical Center and University of Tennessee
Classification: Likely pathogenic. Review status: no assertion criteria provided. Collection method: not provided. Allele origin: somatic.
ClinVar note: Converted during submission from probable-pathogenic to Likely pathogenic.